The following is an entry in ClinVar:

ClinVar aggregate classification (germline): Uncertain significance. Review status: criteria provided, multiple submitters, no conflicts (2 of 4 stars). 2 submissions from 2 submitters: Uncertain significance (2). Last evaluated 2022-10-05.

Conditions:
Congenital glucose-galactose malabsorption (GGM). Also called: DIARRHEA 16; MONOSACCHARIDE MALABSORPTION. Identifiers: Orphanet 35710, MedGen C0268186, MONDO:0011731, OMIM 606824.

Allele frequency attached by ClinVar (database versions not stated): gnomAD exomes 0.00001 and 0.00002.
gnomAD v4.1: 24 of 1,614,056 alleles (0.0015%); highest among the groups gnomAD compares: Non-Finnish European, 0.0019%; no homozygotes.

Submissions (2):

Labcorp Genetics (formerly Invitae), Labcorp
Classification: Uncertain significance for Congenital glucose-galactose malabsorption. Last evaluated: 2022-10-05. Review status: criteria provided, single submitter. Criteria: Invitae Variant Classification Sherloc (09022015). Collection method: clinical testing. Allele origin: germline.
Comment: In summary, the available evidence is currently insufficient to determine the role of this variant in disease. Therefore, it has been classified as a Variant of Uncertain Significance. Algorithms developed to predict the effect of missense changes on protein structure and function (SIFT, PolyPhen-2, Align-GVGD) all suggest that this variant is likely to be disruptive. ClinVar contains an entry for this variant (Variation ID: 1396323). This variant has not been reported in the literature in individuals affected with SLC5A1-related conditions. This variant is present in population databases (rs767673239, gnomAD 0.002%). This sequence change replaces arginine, which is basic and polar, with cysteine, which is neutral and slightly polar, at codon 52 of the SLC5A1 protein (p.Arg52Cys).

Fulgent Genetics
Classification: Uncertain significance for Congenital glucose-galactose malabsorption. Last evaluated: 2021-07-09. Review status: criteria provided, single submitter. Criteria: ACMG Guidelines, 2015. Collection method: clinical testing. Allele origin: unknown.

NM_000343.4(SLC5A1):c.154C>T (p.Arg52Cys)

Gene: SLC5A1 (solute carrier family 5 member 1; plus strand). Cytogenetic location: 22q12.3.
Variant type: single nucleotide variant.
Coding change: c.154C>T on transcript NM_000343.4 (MANE Select); coding-DNA position 154, C replaced by T.
Protein change: p.Arg52Cys; replaces arginine 52 with cysteine.
Molecular consequence: missense variant.
Genome position (GRCh38, 1-based): chr22:32,049,961, C>T. VCF-style: chr22-32049961-C-T. GRCh37 (hg19) VCF-style: chr22-32445948-C-T.
Other names: short protein forms R52C.
Identifiers: ClinVar variation 1396323 (VCV001396323.7), dbSNP rs767673239, ClinGen allele CA323383941.
Genomic context (GRCh38, chr22:32,049,961, plus strand): 5'-TCTTCTAGTTTTCGATTACATTTTTGACCCTTTCCTCCTCAGGCTATGTTTTCCACCAAT[C>T]GTGGGACTGTTGGAGGCTTCTTCCTGGCAGGCCGAAGTATGGTGTGGTGGCCGGTAAGTT-3'
Protein context (NP_000334.1, residues 42-62): VGLWAMFSTN[Arg52Cys]GTVGGFFLAG